The following is an entry in ClinVar:

NM_001395656.1(ROBO2):c.1964C>T (p.Thr655Met)

Gene: ROBO2 (roundabout guidance receptor 2; plus strand). Cytogenetic location: 3p12.3.
Variant type: single nucleotide variant.
Coding change: c.1964C>T on transcript NM_001395656.1 (MANE Select); coding-DNA position 1964, C replaced by T.
Protein change: p.Thr655Met; replaces threonine 655 with methionine.
Molecular consequence: missense variant.
Genome position (GRCh38, 1-based): chr3:77,568,415, C>T. VCF-style: chr3-77568415-C-T. GRCh37 (hg19) VCF-style: chr3-77617566-C-T.
Other names: c.2000C>T, p.Thr667Met (NM_001128929.3); c.1964C>T, p.Thr655Met (NM_001290039.2, NM_001290040.2, NM_001378202.1); c.173C>T, p.Thr58Met (NM_001290065.2); c.2012C>T, p.Thr671Met (NM_001378190.1, NM_001378191.1, NM_001378195.1 and 4 more transcripts); c.2033C>T, p.Thr678Met (NM_001378192.1, NM_001378194.1, NM_001378198.1 and 2 more transcripts); c.1952C>T, p.Thr651Met (NM_001378193.1, NM_001378197.1, NM_002942.5); c.2021C>T, p.Thr674Met (NM_001394212.1, NM_001394214.1, NM_001395657.1); short protein forms T655M, T678M, T58M, T671M, T674M, T667M, T651M.
Identifiers: ClinVar variation 2171357 (VCV002171357.5), dbSNP rs372105678, ClinGen allele CA2497202.

ClinVar aggregate classification (germline): Conflicting classifications of pathogenicity. Review status: criteria provided, conflicting classifications (1 of 4 stars). 2 submissions from 2 submitters: Uncertain significance (1); Likely benign (1). Last evaluated 2024-06-11.

Conditions:
Vesicoureteral reflux 2 (VUR2). Identifiers: Orphanet 289365, MedGen C1970483, MONDO:0012573, OMIM 610878.

Allele frequency attached by ClinVar (database versions not stated): ExAC 0.00008; ESP Exome Variant Server 0.00008; gnomAD 0.00008; gnomAD exomes 0.00009; TOPMed 0.00013; 1000 Genomes Project 0.00040; 1000 Genomes Project 30x 0.00047.
gnomAD v4.1: 145 of 1,612,830 alleles (0.009%); highest among the groups gnomAD compares: African/African-American, 0.017%; no homozygotes.

Submissions (2):

Fulgent Genetics
Classification: Likely benign for Vesicoureteral reflux 2. Last evaluated: 2024-06-11. Review status: criteria provided, single submitter. Criteria: ACMG Guidelines, 2015. Collection method: clinical testing. Allele origin: germline.

Labcorp Genetics (formerly Invitae), Labcorp
Classification: Uncertain significance. Last evaluated: 2022-09-24. Review status: criteria provided, single submitter. Criteria: Invitae Variant Classification Sherloc (09022015). Collection method: clinical testing. Allele origin: germline.
Comment: This sequence change replaces threonine, which is neutral and polar, with methionine, which is neutral and non-polar, at codon 651 of the ROBO2 protein (p.Thr651Met). This variant is present in population databases (rs372105678, gnomAD 0.02%). This variant has not been reported in the literature in individuals affected with ROBO2-related conditions. Advanced modeling of protein sequence and biophysical properties (such as structural, functional, and spatial information, amino acid conservation, physicochemical variation, residue mobility, and thermodynamic stability) performed at Invitae indicates that this missense variant is not expected to disrupt ROBO2 protein function. In summary, the available evidence is currently insufficient to determine the role of this variant in disease. Therefore, it has been classified as a Variant of Uncertain Significance.